The following is an entry in ClinVar:

ClinVar aggregate classification (germline): Likely pathogenic (1 of 4 stars; one submission).

Submission:

Labcorp Genetics (formerly Invitae), Labcorp
Classification: Likely pathogenic. Last evaluated: 2023-02-01. Review status: criteria provided, single submitter. Criteria: Invitae Variant Classification Sherloc (09022015). Collection method: clinical testing. Allele origin: unknown.
Comment: In summary, the currently available evidence indicates that the variant is pathogenic, but additional data are needed to prove that conclusively. Therefore, this variant has been classified as Likely Pathogenic. This variant has not been reported in the literature in individuals affected with LOXHD1-related conditions. This variant results in a copy number gain of the genomic region encompassing exon(s) 3-5 of the LOXHD1 gene. While the exact position of this variant cannot be determined from the data, sub-genic copy number gains are generally in tandem (PMID: 25640679). This variant is predicted to be out-of-frame, and may result in an absent or disrupted protein product. Loss-of-function variants in LOXHD1 are known to be pathogenic (PMID: 19732867, 21465660, 25792669).

Literature cited by the submitters: PubMed 25640679; PubMed 19732867; PubMed 21465660; PubMed 25792669.

NC_000018.9:g.(?_44198135)_(44222019_?)dup

Gene: LOXHD1 (lipoxygenase homology PLAT domains 1; minus strand). Cytogenetic location: 18q21.1.
Variant type: Duplication.
Identifiers: ClinVar variation 3242817 (VCV003242817.1).